The following is an entry in ClinVar:

NM_001283009.2(RTEL1):c.1389C>A (p.Ser463Arg)

Genes: RTEL1 (regulator of telomere elongation helicase 1; plus strand), RTEL1-TNFRSF6B (RTEL1-TNFRSF6B readthrough (NMD candidate); plus strand). Cytogenetic location: 20q13.33.
Variant type: single nucleotide variant.
Coding change: c.1389C>A on transcript NM_001283009.2 (MANE Select); coding-DNA position 1389, C replaced by A.
Protein change: p.Ser463Arg; replaces serine 463 with arginine.
Molecular consequence: missense variant. On other transcripts: non-coding transcript variant (1).
Genome position (GRCh38, 1-based): chr20:63,687,678, C>A. VCF-style: chr20-63687678-C-A. GRCh37 (hg19) VCF-style: chr20-62319031-C-A.
Other names: c.1461C>A, p.Ser487Arg (NM_032957.5); c.720C>A, p.Ser240Arg (NM_001283010.1); c.1389C>A, p.Ser463Arg (NM_016434.4); short protein forms S240R, S487R, S463R.
Identifiers: ClinVar variation 4629556 (VCV004629556.1).
Genomic context (GRCh38, chr20:63,687,678, plus strand): 5'-TGCCGCCCCCCGCCCCACAGGGAAGGTGCTGAGCTACTGGTGCTTCAGTCCCGGCCACAG[C>A]ATGCACGAGCTGGTCCGCCAGGGCGTCCGCTCCCTCATCCTTACCAGCGGCACGCTGGCC-3'
Protein context (NP_001269938.1, residues 453-473): LSYWCFSPGH[Ser463Arg]MHELVRQGVR

ClinVar aggregate classification (germline): Uncertain significance (1 of 4 stars; one submission).

Conditions:
Inborn genetic diseases. Identifiers: MedGen C0950123, MeSH D030342.

Submission:

Ambry Genetics
Classification: Uncertain significance for Inborn genetic diseases. Last evaluated: 2025-10-22. Review status: criteria provided, single submitter. Criteria: Ambry Variant Classification Scheme 2023. Collection method: clinical testing. Allele origin: germline.
Comment: The p.S463R variant (also known as c.1389C>A), located in coding exon 16 of the RTEL1 gene, results from a C to A substitution at nucleotide position 1389. The serine at codon 463 is replaced by arginine, an amino acid with dissimilar properties. This amino acid position is conserved. In addition, the in silico prediction for this alteration is inconclusive. Based on the available evidence, the clinical significance of this variant remains unclear.